The following is an entry in ClinVar:

NM_007078.3(LDB3):c.1478A>G (p.Asp493Gly)

Gene: LDB3 (LIM domain binding 3; plus strand). Cytogenetic location: 10q23.2.
Variant type: single nucleotide variant.
Coding change: c.1478A>G on transcript NM_007078.3 (MANE Select); coding-DNA position 1478, A replaced by G.
Protein change: p.Asp493Gly; replaces aspartic acid 493 with glycine.
Molecular consequence: missense variant.
Genome position (GRCh38, 1-based): chr10:86,716,573, A>G. VCF-style: chr10-86716573-A-G. GRCh37 (hg19) VCF-style: chr10-88476330-A-G.
Other names: c.1148A>G, p.Asp383Gly (NM_001080114.2); c.1493A>G, p.Asp498Gly (NM_001171610.2); c.1289A>G, p.Asp430Gly (NM_001368064.1, NM_001368065.1); c.1337A>G, p.Asp446Gly (NM_001368066.1); short protein forms D446G, D383G, D430G, D493G, D498G.
Identifiers: ClinVar variation 2449066 (VCV002449066.2), dbSNP rs1846884613, ClinGen allele CA377450926.

ClinVar aggregate classification (germline): Uncertain significance (1 of 4 stars; one submission).

Conditions:
Cardiovascular phenotype. Identifiers: MedGen CN230736.

Submission:

Ambry Genetics
Classification: Uncertain significance for Cardiovascular phenotype. Last evaluated: 2022-12-23. Review status: criteria provided, single submitter. Criteria: Ambry Variant Classification Scheme 2023. Collection method: clinical testing. Allele origin: germline.
Comment: The p.D493G variant (also known as c.1478A>G), located in coding exon 9 of the LDB3 gene, results from an A to G substitution at nucleotide position 1478. The aspartic acid at codon 493 is replaced by glycine, an amino acid with similar properties. This amino acid position is conserved. In addition, the in silico prediction for this alteration is inconclusive. Since supporting evidence is limited at this time, the clinical significance of this alteration remains unclear.